The following is an entry in ClinVar:

NM_000194.3(HPRT1):c.610C>A (p.His204Asn)

Gene: HPRT1 (hypoxanthine phosphoribosyltransferase 1; plus strand). Cytogenetic location: Xq26.3.
Variant type: single nucleotide variant.
Coding change: c.610C>A on transcript NM_000194.3 (MANE Select); coding-DNA position 610, C replaced by A.
Protein change: p.His204Asn; replaces histidine 204 with asparagine.
Molecular consequence: missense variant.
Genome position (GRCh38, 1-based): chrX:134,500,030, C>A. VCF-style: chrX-134500030-C-A. GRCh37 (hg19) VCF-style: chrX-133634060-C-A.
Other names: short protein forms H204N.
Identifiers: ClinVar variation 5007503 (VCV005007503.2).

ClinVar aggregate classification (germline): Uncertain significance (1 of 4 stars; one submission).

Conditions:
Partial hypoxanthine-guanine phosphoribosyltransferase deficiency. Also called: HPRT DEFICIENCY, PARTIAL; HYPOXANTHINE GUANINE PHOSPHORIBOSYLTRANSFERASE 1 DEFICIENCY, PARTIAL; HPRT1 DEFICIENCY, PARTIAL; GOUT, HPRT-RELATED; Kelley-Seegmiller Syndrome. Identifiers: Orphanet 79233, MedGen C0268117, MONDO:0010299, OMIM 300323.
Lesch-Nyhan syndrome (LNS). Also called: HPRT DEFICIENCY, COMPLETE; Lesch-Nyhan Disease (LND). Identifiers: Orphanet 510, MedGen C0023374, MONDO:0010298, OMIM 300322.

Submission:

Juno Genomics, Hangzhou Juno Genomics, Inc
Classification: Uncertain significance for Partial hypoxanthine-guanine phosphoribosyltransferase deficiency; Lesch-Nyhan syndrome. Review status: criteria provided, single submitter. Criteria: ACMG Guidelines, 2015. Collection method: clinical testing. Allele origin: germline.
Comment: Absent from controls (or at extremely low frequency if recessive) in Genome Aggregation Database.;Multiple lines of computational evidence support a deleterious effect on the gene or gene product.